The following is an entry in ClinVar:

ClinVar aggregate classification (germline): Uncertain significance. Review status: criteria provided, multiple submitters, no conflicts (2 of 4 stars). 2 submissions from 2 submitters: Uncertain significance (2). Last evaluated 2023-10-08.

Conditions:
Hereditary cancer-predisposing syndrome. Also called: Hereditary Cancer Syndrome; Hereditary neoplastic syndrome; Tumor predisposition; Neoplastic Syndromes, Hereditary. Identifiers: Orphanet 140162, MedGen C0027672, MeSH D009386, MONDO:0015356.
DICER1-related tumor predisposition. Also called: DICER1 syndrome; DICER1-related pleuropulmonary blastoma cancer predisposition syndrome. Identifiers: Orphanet 284343, MedGen C3839822, MONDO:0100216.

Allele frequency attached by ClinVar (database versions not stated): gnomAD 0.00001; 1000 Genomes Project 30x 0.00016; 1000 Genomes Project 0.00020.

Submissions (2):

Ambry Genetics
Classification: Uncertain significance for Hereditary cancer-predisposing syndrome. Last evaluated: 2023-10-08. Review status: criteria provided, single submitter. Criteria: Ambry Variant Classification Scheme 2023. Collection method: clinical testing. Allele origin: germline.
Comment: The p.D606G variant (also known as c.1817A>G), located in coding exon 10 of the DICER1 gene, results from an A to G substitution at nucleotide position 1817. The aspartic acid at codon 606 is replaced by glycine, an amino acid with similar properties. This amino acid position is conserved. In addition, this alteration is predicted to be tolerated by in silico analysis. Since supporting evidence is limited at this time, the clinical significance of this alteration remains unclear.

Labcorp Genetics (formerly Invitae), Labcorp
Classification: Uncertain significance for DICER1-related tumor predisposition. Last evaluated: 2021-05-03. Review status: criteria provided, single submitter. Criteria: Invitae Variant Classification Sherloc (09022015). Collection method: clinical testing. Allele origin: germline.
Comment: In summary, the available evidence is currently insufficient to determine the role of this variant in disease. Therefore, it has been classified as a Variant of Uncertain Significance. Algorithms developed to predict the effect of sequence changes on RNA splicing suggest that this variant may create or strengthen a splice site, but this prediction has not been confirmed by published transcriptional studies. Algorithms developed to predict the effect of missense changes on protein structure and function are either unavailable or do not agree on the potential impact of this missense change (SIFT: "Tolerated"; PolyPhen-2: "Probably Damaging"; Align-GVGD: "Class C0"). This variant has not been reported in the literature in individuals with DICER1-related conditions. This variant is not present in population databases (ExAC no frequency). This sequence change replaces aspartic acid with glycine at codon 606 of the DICER1 protein (p.Asp606Gly). The aspartic acid residue is highly conserved and there is a moderate physicochemical difference between aspartic acid and glycine.

NM_177438.3(DICER1):c.1817A>G (p.Asp606Gly)

Gene: DICER1 (dicer 1, ribonuclease III; minus strand). Cytogenetic location: 14q32.13.
Variant type: single nucleotide variant.
Coding change: c.1817A>G on transcript NM_177438.3 (MANE Select); coding-DNA position 1817, A replaced by G.
Protein change: p.Asp606Gly; replaces aspartic acid 606 with glycine.
Molecular consequence: missense variant.
Genome position (GRCh38, 1-based): chr14:95,115,757, T>C on the plus strand (A>G on the coding strand, the complement: DICER1 is on the minus strand). VCF-style: chr14-95115757-T-C. GRCh37 (hg19) VCF-style: chr14-95582094-T-C.
Other names: c.1817A>G (NM_177438.2); c.1817A>G, p.Asp606Gly (NM_001195573.1, NM_001271282.3, NM_001291628.2 and 1 more transcripts); short protein forms D606G.
Identifiers: ClinVar variation 1361132 (VCV001361132.10), dbSNP rs545651708, ClinGen allele CA265915525.
Genomic context (GRCh38, chr14:95,115,757, plus strand): 5'-GTGACTCGTGGACCACCATCGTCAGGCCTCAACACATATGGTGGGAAAACGTCATCATCA[T>C]CCATGACAGGATCAATGTCAGTCTCACCAGTATCAACCGACTTGGAACACTTGTTTCTCA-3'
Protein context (NP_803187.1, residues 596-616): TGETDIDPVM[Asp606Gly]DDDVFPPYVL